The following is an entry in ClinVar:

NM_138694.4(PKHD1):c.4292G>T (p.Cys1431Phe)

Gene: PKHD1 (PKHD1 ciliary IPT domain containing fibrocystin/polyductin; minus strand). Cytogenetic location: 6p12.2.
Variant type: single nucleotide variant.
Coding change: c.4292G>T on transcript NM_138694.4 (MANE Select); coding-DNA position 4292, G replaced by T.
Protein change: p.Cys1431Phe; replaces cysteine 1431 with phenylalanine.
Molecular consequence: missense variant.
Genome position (GRCh38, 1-based): chr6:52,025,518, C>A on the plus strand (G>T on the coding strand, the complement: PKHD1 is on the minus strand). VCF-style: chr6-52025518-C-A. GRCh37 (hg19) VCF-style: chr6-51890316-C-A.
Other names: c.4292G>T, p.Cys1431Phe (NM_170724.3); short protein forms C1431F.
Identifiers: ClinVar variation 1466642 (VCV001466642.7), dbSNP rs753307105, ClinGen allele CA364434264.

ClinVar aggregate classification (germline): Likely pathogenic (1 of 4 stars; one submission).

Conditions:
Autosomal recessive polycystic kidney disease (ARPKD). Also called: AR polycystic kidney disease. Identifiers: Orphanet 731, Orphanet 8378, MedGen C0085548, MeSH D017044, MONDO:0009889.

Submission:

Labcorp Genetics (formerly Invitae), Labcorp
Classification: Likely pathogenic for Autosomal recessive polycystic kidney disease. Last evaluated: 2021-08-19. Review status: criteria provided, single submitter. Criteria: Invitae Variant Classification Sherloc (09022015). Collection method: clinical testing. Allele origin: germline.
Comment: This variant is not present in population databases (ExAC no frequency). In summary, the currently available evidence indicates that the variant is pathogenic, but additional data are needed to prove that conclusively. Therefore, this variant has been classified as Likely Pathogenic. This variant disrupts the p.Cys1431 amino acid residue in PKHD1. Other variant(s) that disrupt this residue have been determined to be pathogenic (PMID: 27225849; Invitae). This suggests that this residue is clinically significant, and that variants that disrupt this residue are likely to be disease-causing. Advanced modeling of protein sequence and biophysical properties (such as structural, functional, and spatial information, amino acid conservation, physicochemical variation, residue mobility, and thermodynamic stability) performed at Invitae indicates that this missense variant is expected to disrupt PKHD1 protein function. This variant has not been reported in the literature in individuals affected with PKHD1-related conditions. This sequence change replaces cysteine with phenylalanine at codon 1431 of the PKHD1 protein (p.Cys1431Phe). The cysteine residue is highly conserved and there is a large physicochemical difference between cysteine and phenylalanine.

Literature cited by the submitters: PubMed 27225849.